The following is an entry in ClinVar:

ClinVar aggregate classification (germline): Likely pathogenic. Review status: criteria provided, multiple submitters, no conflicts (2 of 4 stars). 2 submissions from 2 submitters: Likely pathogenic (2). Last evaluated 2024-04-10.

Conditions:
Nemaline myopathy 2 (NEM2). Also called: Nemaline myopathy 2, autosomal recessive. Identifiers: MedGen C1850569, MONDO:0009725, OMIM 256030.
Arthrogryposis multiplex congenita 6. Identifiers: MedGen C5543431, MONDO:0030281, OMIM 619334.

Submissions (2):

Fulgent Genetics
Classification: Likely pathogenic for Nemaline myopathy 2; Arthrogryposis multiplex congenita 6. Last evaluated: 2024-04-10. Review status: criteria provided, single submitter. Criteria: ACMG Guidelines, 2015. Collection method: clinical testing. Allele origin: germline.

Myriad Genetics, Inc.
Classification: Likely pathogenic for Nemaline myopathy 2. Last evaluated: 2022-05-11. Review status: criteria provided, single submitter. Criteria: Myriad Women's Health Autosomal Recessive and X-Linked Classification Criteria (2021). Collection method: clinical testing. Allele origin: unknown.
Comment: NM_001271208.1(NEB):c.2095C>T(Q699*) is expected to be pathogenic in the context of NEB-related nemaline myopathy. This variant is predicted to lead to an abnormal or absent protein product due to the creation of a premature termination codon in NEB, a gene where loss-of-function variants are known to be pathogenic. Please note: this variant was assessed in the context of healthy population screening.

NM_001164508.2(NEB):c.2095C>T (p.Gln699Ter)

Gene: NEB (nebulin; minus strand). Cytogenetic location: 2q23.3.
Variant type: single nucleotide variant.
Coding change: c.2095C>T on transcript NM_001164508.2 (MANE Select); coding-DNA position 2095, C replaced by T.
Protein change: p.Gln699Ter; replaces glutamine 699 with a stop codon.
Molecular consequence: nonsense.
Genome position (GRCh38, 1-based): chr2:151,692,070, G>A on the plus strand (C>T on the coding strand, the complement: NEB is on the minus strand). VCF-style: chr2-151692070-G-A. GRCh37 (hg19) VCF-style: chr2-152548584-G-A.
Other names: c.2095C>T, p.Gln699Ter (NM_001164507.2, NM_001271208.2, NM_004543.5); short protein forms Q699*.
Identifiers: ClinVar variation 1726044 (VCV001726044.3), dbSNP rs2099555780, ClinGen allele CA348823809.